The following is an entry in ClinVar:

ClinVar aggregate classification (germline): Uncertain significance (1 of 4 stars; one submission).

Submission:

Labcorp Genetics (formerly Invitae), Labcorp
Classification: Uncertain significance. Last evaluated: 2024-04-01. Review status: criteria provided, single submitter. Criteria: Invitae Variant Classification Sherloc (09022015). Collection method: clinical testing. Allele origin: germline.
Comment: This sequence change replaces isoleucine, which is neutral and non-polar, with valine, which is neutral and non-polar, at codon 714 of the RFWD3 protein (p.Ile714Val). This variant is not present in population databases (gnomAD no frequency). This variant has not been reported in the literature in individuals affected with RFWD3-related conditions. Algorithms developed to predict the effect of missense changes on protein structure and function output the following: SIFT: "Not Available"; PolyPhen-2: "Benign"; Align-GVGD: "Not Available". The valine amino acid residue is found in multiple mammalian species, which suggests that this missense change does not adversely affect protein function. In summary, the available evidence is currently insufficient to determine the role of this variant in disease. Therefore, it has been classified as a Variant of Uncertain Significance.

NM_018124.4(RFWD3):c.2140A>G (p.Ile714Val)

Gene: RFWD3 (ring finger and WD repeat domain 3; minus strand). Cytogenetic location: 16q23.1.
Variant type: single nucleotide variant.
Coding change: c.2140A>G on transcript NM_018124.4 (MANE Select); coding-DNA position 2140, A replaced by G.
Protein change: p.Ile714Val; replaces isoleucine 714 with valine.
Molecular consequence: missense variant.
Genome position (GRCh38, 1-based): chr16:74,626,384, T>C on the plus strand (A>G on the coding strand, the complement: RFWD3 is on the minus strand). VCF-style: chr16-74626384-T-C. GRCh37 (hg19) VCF-style: chr16-74660282-T-C.
Other names: c.1963A>G, p.Ile655Val (NM_001370536.1); c.1306A>G, p.Ile436Val (NM_001370537.1, NM_001370539.1, NM_001370540.1 and 3 more transcripts); c.2140A>G, p.Ile714Val (NM_001370534.1, NM_001370535.1); short protein forms I436V, I655V, I714V.
Identifiers: ClinVar variation 2877038 (VCV002877038.3), dbSNP rs544861544, ClinGen allele CA396759243.